The following is an entry in ClinVar:

NM_006363.6(SEC23B):c.2099C>T (p.Ala700Val)

Gene: SEC23B (SEC23 homolog B, COPII component; plus strand). Cytogenetic location: 20p11.23.
Variant type: single nucleotide variant.
Coding change: c.2099C>T on transcript NM_006363.6 (MANE Select); coding-DNA position 2099, C replaced by T.
Protein change: p.Ala700Val; replaces alanine 700 with valine.
Molecular consequence: missense variant.
Genome position (GRCh38, 1-based): chr20:18,554,341, C>T. VCF-style: chr20-18554341-C-T. GRCh37 (hg19) VCF-style: chr20-18534985-C-T.
Other names: c.2099C>T, p.Ala700Val (NM_001172745.3, NM_032985.6, NM_032986.5); c.2045C>T, p.Ala682Val (NM_001172746.3); short protein forms A682V, A700V.
Identifiers: ClinVar variation 4886187 (VCV004886187.2).

ClinVar aggregate classification (germline): Uncertain significance (1 of 4 stars; one submission).

gnomAD v4.1: 1 of 1,614,214 alleles (0.000062%); highest among the groups gnomAD compares: South Asian, 0.0011%; no homozygotes.

Submission:

Dasa
Classification: Uncertain significance. Last evaluated: 2026-02-10. Review status: criteria provided, single submitter. Criteria: DASA Assertion Criteria. Collection method: clinical testing. Allele origin: germline.
Comment: NM_006363.6(SEC23B):c.2099C>T (p.Ala700Val) is a missense variant that results in the substitution of alanine with valine. This variant is rare in population databases. Computational prediction algorithms are consistent with a benign effect. The currently available literature and clinical evidence are not sufficient to establish a definitive association between this variant and the reported condition. Therefore, this variant is classified as a variant of uncertain significance.